The following is an entry in ClinVar:

NM_014639.4(SKIC3):c.3248C>G (p.Ser1083Trp)

Gene: SKIC3 (SKI3 subunit of superkiller complex; minus strand). Cytogenetic location: 5q15.
Variant type: single nucleotide variant.
Coding change: c.3248C>G on transcript NM_014639.4 (MANE Select); coding-DNA position 3248, C replaced by G.
Protein change: p.Ser1083Trp; replaces serine 1083 with tryptophan.
Molecular consequence: missense variant.
Genome position (GRCh38, 1-based): chr5:95,502,973, G>C on the plus strand (C>G on the coding strand, the complement: SKIC3 is on the minus strand). VCF-style: chr5-95502973-G-C. GRCh37 (hg19) VCF-style: chr5-94838677-G-C.
Other names: short protein forms S1083W.
Identifiers: ClinVar variation 2090546 (VCV002090546.1), dbSNP rs540722823, ClinGen allele CA360452202.

ClinVar aggregate classification (germline): Uncertain significance (1 of 4 stars; one submission).

Allele frequency attached by ClinVar (database versions not stated): TOPMed 0.00001.
gnomAD v4.1: 1 of 1,613,820 alleles (0.000062%); highest among the groups gnomAD compares: East Asian, 0.0022%; no homozygotes.

Submission:

Labcorp Genetics (formerly Invitae), Labcorp
Classification: Uncertain significance. Last evaluated: 2022-01-27. Review status: criteria provided, single submitter. Criteria: Invitae Variant Classification Sherloc (09022015). Collection method: clinical testing. Allele origin: germline.
Comment: This sequence change replaces serine, which is neutral and polar, with tryptophan, which is neutral and slightly polar, at codon 1083 of the TTC37 protein (p.Ser1083Trp). This variant is not present in population databases (gnomAD no frequency). This variant has not been reported in the literature in individuals affected with TTC37-related conditions. Algorithms developed to predict the effect of missense changes on protein structure and function are either unavailable or do not agree on the potential impact of this missense change (SIFT: "Deleterious"; PolyPhen-2: "Possibly Damaging"; Align-GVGD: "Class C0"). In summary, the available evidence is currently insufficient to determine the role of this variant in disease. Therefore, it has been classified as a Variant of Uncertain Significance.